The following is an entry in ClinVar:

NM_002454.3(MTRR):c.2072G>A (p.Arg691His)

Gene: MTRR (5-methyltetrahydrofolate-homocysteine methyltransferase reductase; plus strand). Cytogenetic location: 5p15.31.
Variant type: single nucleotide variant.
Coding change: c.2072G>A on transcript NM_002454.3 (MANE Select); coding-DNA position 2072, G replaced by A.
Protein change: p.Arg691His; replaces arginine 691 with histidine.
Molecular consequence: missense variant. On other transcripts: non-coding transcript variant (14).
Genome position (GRCh38, 1-based): chr5:7,900,033, G>A. VCF-style: chr5-7900033-G-A. GRCh37 (hg19) VCF-style: chr5-7900146-G-A.
Other names: c.2072G>A, p.Arg691His (NM_001364440.2, NM_001364441.2, NM_001364442.2 and 1 more transcripts); c.2072G>A (NM_002454.2); short protein forms R691H.
Identifiers: ClinVar variation 2063921 (VCV002063921.2), dbSNP rs1320146714, ClinGen allele CA359160335.

ClinVar aggregate classification (germline): Uncertain significance. Review status: criteria provided, multiple submitters, no conflicts (2 of 4 stars). 2 submissions from 2 submitters: Uncertain significance (2). Last evaluated 2024-11-24.

Conditions:
Inborn genetic diseases. Identifiers: MedGen C0950123, MeSH D030342.
Methylcobalamin deficiency type cblE (HMAE). Also called: VITAMIN B12-RESPONSIVE HOMOCYSTINURIA, cblE TYPE; HOMOCYSTINURIA-MEGALOBLASTIC ANEMIA, cblE COMPLEMENTATION TYPE; HOMOCYSTINURIA-MEGALOBLASTIC ANEMIA, cblE TYPE. Identifiers: Orphanet 2169, Orphanet 622, MedGen C1856057, MONDO:0009354, OMIM 236270.

Allele frequency attached by ClinVar (database versions not stated): gnomAD 0.00002.
gnomAD v4.1: 31 of 1,613,648 alleles (0.0019%); highest among the groups gnomAD compares: African/African-American, 0.0027%; no homozygotes.

Submissions (2):

Ambry Genetics
Classification: Uncertain significance for Inborn genetic diseases. Last evaluated: 2024-11-24. Review status: criteria provided, single submitter. Criteria: Ambry Variant Classification Scheme 2023. Collection method: clinical testing. Allele origin: germline.

Labcorp Genetics (formerly Invitae), Labcorp
Classification: Uncertain significance for Methylcobalamin deficiency type cblE. Last evaluated: 2022-09-01. Review status: criteria provided, single submitter. Criteria: Invitae Variant Classification Sherloc (09022015). Collection method: clinical testing. Allele origin: germline.
Comment: This sequence change replaces arginine, which is basic and polar, with histidine, which is basic and polar, at codon 691 of the MTRR protein (p.Arg691His). This variant is present in population databases (no rsID available, gnomAD 0.01%). This variant has not been reported in the literature in individuals affected with MTRR-related conditions. Algorithms developed to predict the effect of missense changes on protein structure and function are either unavailable or do not agree on the potential impact of this missense change (SIFT: "Deleterious"; PolyPhen-2: "Probably Damaging"; Align-GVGD: "Class C0"). In summary, the available evidence is currently insufficient to determine the role of this variant in disease. Therefore, it has been classified as a Variant of Uncertain Significance.